The following is an entry in ClinVar:

ClinVar aggregate classification (germline): Uncertain significance (1 of 4 stars; one submission).

Submission:

Labcorp Genetics (formerly Invitae), Labcorp
Classification: Uncertain significance. Last evaluated: 2022-08-01. Review status: criteria provided, single submitter. Criteria: Invitae Variant Classification Sherloc (09022015). Collection method: clinical testing. Allele origin: germline.
Comment: This sequence change falls in intron 23 of the TMPRSS15 gene. It does not directly change the encoded amino acid sequence of the TMPRSS15 protein. Information on the frequency of this variant in the gnomAD database is not available, as this variant may be reported differently in the database. This variant has not been reported in the literature in individuals affected with TMPRSS15-related conditions. Experimental studies and prediction algorithms are not available or were not evaluated, and the effect of this variant on mRNA splicing is currently unknown. In summary, the available evidence is currently insufficient to determine the role of this variant in disease. Therefore, it has been classified as a Variant of Uncertain Significance.

NM_002772.3(TMPRSS15):c.2764+14_2764+16delinsAAA

Gene: TMPRSS15 (transmembrane serine protease 15; minus strand). Cytogenetic location: 21q21.1.
Variant type: Indel.
Coding change: c.2764+14_2764+16delinsAAA on transcript NM_002772.3 (MANE Select); bases 14 to 16 of the intron after coding-DNA position 2764, CTC replaced by AAA.
Molecular consequence: intron variant.
Genome position (GRCh38, 1-based): chr21:18,278,948-18,278,950, GAG replaced by TTT on the plus strand (CTC replaced by AAA on the coding strand, the reverse complement: TMPRSS15 is on the minus strand). VCF-style: chr21-18278948-GAG-TTT. GRCh37 (hg19) VCF-style: chr21-19651265-GAG-TTT.
Identifiers: ClinVar variation 1976616 (VCV001976616.2), dbSNP rs2516497491, ClinGen allele CA2580098517.